The following is an entry in ClinVar:

ClinVar aggregate classification (germline): Pathogenic. Review status: criteria provided, multiple submitters, no conflicts (2 of 4 stars). 3 submissions from 3 submitters: Pathogenic (3). Last evaluated 2024-12-22.

Conditions:
Familial hemiplegic migraine. Identifiers: MedGen C0338484, MONDO:0000700.

Allele frequency attached by ClinVar (database versions not stated): gnomAD exomes below 0.00001.
gnomAD v4.1: 1 of 1,614,194 alleles (0.000062%); highest among the groups gnomAD compares: Non-Finnish European, 0.000085%; no homozygotes.

Submissions (3):

Labcorp Genetics (formerly Invitae), Labcorp
Classification: Pathogenic for Familial hemiplegic migraine. Last evaluated: 2024-12-22. Review status: criteria provided, single submitter. Criteria: Invitae Variant Classification Sherloc (09022015). Collection method: clinical testing. Allele origin: germline.
Comment: This sequence change replaces valine, which is neutral and non-polar, with methionine, which is neutral and non-polar, at codon 628 of the ATP1A2 protein (p.Val628Met). This variant is not present in population databases (gnomAD no frequency). This missense change has been observed in individual(s) with familial hemiplegic migraine (PMID: 16538223). It has also been observed to segregate with disease in related individuals. ClinVar contains an entry for this variant (Variation ID: 449380). Invitae Evidence Modeling of protein sequence and biophysical properties (such as structural, functional, and spatial information, amino acid conservation, physicochemical variation, residue mobility, and thermodynamic stability) indicates that this missense variant is expected to disrupt ATP1A2 protein function with a positive predictive value of 80%. Experimental studies have shown that this missense change affects ATP1A2 function (PMID: 16538223). For these reasons, this variant has been classified as Pathogenic.

CeGaT Center for Human Genetics Tuebingen
Classification: Pathogenic. Last evaluated: 2023-03-01. Review status: criteria provided, single submitter. Criteria: CeGaT Center For Human Genetics Tuebingen Variant Classification Criteria Version 2. Collection method: clinical testing. Allele origin: germline. Affected: yes. Observed: 6 variant alleles.
Comment: ATP1A2: PP1:Strong, PM1, PM2, PS4:Moderate, PP3, PS3:Supporting

GeneDx
Classification: Pathogenic. Last evaluated: 2023-01-13. Review status: criteria provided, single submitter. Criteria: GeneDx Variant Classification Process June 2021. Collection method: clinical testing. Allele origin: germline. Affected: yes.
Comment: Published functional studies demonstrate a damaging effect (Vanmolkot et al., 2006; Schack et al., 2012); Not observed at significant frequency in large population cohorts (gnomAD); This variant is associated with the following publications: (PMID: 23561701, 16538223, 23202128, 27445835, 18184292, 18846413, 22117059)

Literature cited by the submitters: PubMed 16538223 (cited by Labcorp Genetics (formerly Invitae), Labcorp).

NM_000702.4(ATP1A2):c.1882G>A (p.Val628Met)

Gene: ATP1A2 (ATPase Na+/K+ transporting subunit alpha 2; plus strand). Cytogenetic location: 1q23.2.
Variant type: single nucleotide variant.
Coding change: c.1882G>A on transcript NM_000702.4 (MANE Select); coding-DNA position 1882, G replaced by A.
Protein change: p.Val628Met; replaces valine 628 with methionine.
Molecular consequence: missense variant.
Genome position (GRCh38, 1-based): chr1:160,134,538, G>A. VCF-style: chr1-160134538-G-A. GRCh37 (hg19) VCF-style: chr1-160104328-G-A.
Other names: short protein forms V628M.
Identifiers: ClinVar variation 449380 (VCV000449380.50), dbSNP rs1553245659, ClinGen allele CA343246767.